The following is an entry in ClinVar:

ClinVar aggregate classification (germline): Likely benign. Review status: criteria provided, multiple submitters, no conflicts (2 of 4 stars). 3 submissions from 3 submitters: Likely benign (3). Last evaluated 2024-10-21.

Allele frequency attached by ClinVar (database versions not stated): ExAC 0.00017.

Submissions (3):

Blueprint Genetics
Classification: Likely benign. Last evaluated: 2024-10-21. Review status: criteria provided, single submitter. Criteria: ACMG Guidelines, 2015. Collection method: clinical testing. Allele origin: germline.

Women's Health and Genetics/Laboratory Corporation of America, LabCorp
Classification: Likely benign. Last evaluated: 2023-02-11. Review status: criteria provided, single submitter. Criteria: LabCorp Variant Classification Summary - May 2015. Collection method: clinical testing. Allele origin: germline.

CeGaT Center for Human Genetics Tuebingen
Classification: Likely benign. Last evaluated: 2022-05-01. Review status: criteria provided, single submitter. Criteria: CeGaT Center For Human Genetics Tuebingen Variant Classification Criteria Version 2. Collection method: clinical testing. Allele origin: germline. Affected: yes. Observed: 1 variant allele.
Comment: CYP21A2: BP4, BP7

NM_000500.9(CYP21A2):c.1299G>A (p.Pro433=)

Genes: CYP21A2 (cytochrome P450 family 21 subfamily A member 2; plus strand), LOC106780800 (CYP21A2 recombination region; plus strand). Cytogenetic location: 6p21.33.
Variant type: single nucleotide variant.
Coding change: c.1299G>A on transcript NM_000500.9 (MANE Select); coding-DNA position 1299, G replaced by A.
Protein change: p.Pro433=; no amino-acid change (proline 433 retained).
Molecular consequence: synonymous variant.
Genome position (GRCh38, 1-based): chr6:32,040,945, G>A. VCF-style: chr6-32040945-G-A. GRCh37 (hg19) VCF-style: chr6-32008722-G-A.
Other names: c.1209G>A, p.Pro403= (NM_001128590.4); c.894G>A, p.Pro298= (NM_001368143.2, NM_001368144.2).
Identifiers: ClinVar variation 2445792 (VCV002445792.26), dbSNP rs761761965, ClinGen allele CA3732718.